The following is an entry in ClinVar:

NM_000053.4(ATP7B):c.3366A>G (p.Ala1122=)

Gene: ATP7B (ATPase copper transporting beta; minus strand). Cytogenetic location: 13q14.3.
Variant type: single nucleotide variant.
Coding change: c.3366A>G on transcript NM_000053.4 (MANE Select); coding-DNA position 3366, A replaced by G.
Protein change: p.Ala1122=; no amino-acid change (alanine 1122 retained).
Molecular consequence: synonymous variant.
Genome position (GRCh38, 1-based): chr13:51,942,432, T>C on the plus strand (A>G on the coding strand, the complement: ATP7B is on the minus strand). VCF-style: chr13-51942432-T-C. GRCh37 (hg19) VCF-style: chr13-52516568-T-C.
Other names: c.2745A>G, p.Ala915= (NM_001005918.3); c.3033A>G, p.Ala1011= (NM_001243182.2); c.3132A>G, p.Ala1044= (NM_001330578.2); c.3114A>G, p.Ala1038= (NM_001330579.2).
Identifiers: ClinVar variation 254767 (VCV000254767.32), dbSNP rs59120265, ClinGen allele CA6988724.

ClinVar aggregate classification (germline): Benign. Review status: criteria provided, multiple submitters, no conflicts (2 of 4 stars). 13 submissions from 13 submitters: Benign (9). 4 of the submissions do not count toward it. Last evaluated 2026-02-02.

Conditions:
Inborn genetic diseases. Identifiers: MedGen C0950123, MeSH D030342.
Wilson disease (WND). Also called: Wilson's disease. Identifiers: Orphanet 905, MedGen C0019202, MONDO:0010200, OMIM 277900. Disease mechanism: loss of function.

Allele frequency attached by ClinVar (database versions not stated): gnomAD exomes 0.00100 and 0.00264; 1000 Genomes Project 0.00998; gnomAD 0.01031 and 0.01110; 1000 Genomes Project 30x 0.01077; ESP Exome Variant Server 0.01151; TOPMed 0.01234.
gnomAD v4.1: 3,117 of 1,614,230 alleles (0.19%); highest among the groups gnomAD compares: African/African-American, 3.5%; 51 homozygotes.

Submissions (13):

Labcorp Genetics (formerly Invitae), Labcorp
Classification: Benign for Wilson disease. Last evaluated: 2026-02-02. Review status: criteria provided, single submitter. Criteria: Invitae Variant Classification Sherloc (09022015). Collection method: clinical testing. Allele origin: germline.

All of Us Research Program, National Institutes of Health
Classification: Benign for Wilson disease. Last evaluated: 2024-02-05. Review status: criteria provided, single submitter. Criteria: ACMG Guidelines, 2015. Collection method: clinical testing. Allele origin: germline. Inheritance: Autosomal recessive inheritance. Observed: 650 variant alleles, 642 heterozygotes, 8 homozygotes.
Comment: This study involves interpretation of variants in research participants for the purpose of population health screening. Participant phenotype was not available at the time of variant classification. Additional details can be found in publication PMID: 35346344, PMCID: PMC8962531

ARUP Laboratories, Molecular Genetics and Genomics, ARUP Laboratories
Classification: Benign for Wilson disease. Last evaluated: 2023-11-28. Review status: criteria provided, single submitter. Criteria: ARUP Molecular Germline Variant Investigation Process 2024. Collection method: clinical testing. Allele origin: germline.

Color Diagnostics, LLC DBA Color Health
Classification: Benign for Wilson disease. Last evaluated: 2022-09-20. Review status: criteria provided, single submitter. Criteria: ACMG Guidelines, 2015. Collection method: clinical testing. Allele origin: germline.

Illumina Laboratory Services, Illumina
Classification: Benign for Wilson disease. Last evaluated: 2018-08-30. Review status: criteria provided, single submitter. Criteria: ICSL Variant Classification Criteria 13 December 2019. Collection method: clinical testing. Allele origin: germline.
Comment: This variant was observed as part of a predisposition screen in an ostensibly healthy population. A literature search was performed for the gene, cDNA change, and amino acid change (where applicable). Publications were found based on this search. The evidence from the literature, in combination with allele frequency data from public databases where available, was sufficient to rule this variant out of causing disease. Therefore, this variant is classified as benign.

Ambry Genetics
Classification: Benign for Inborn genetic diseases. Last evaluated: 2017-05-11. Review status: criteria provided, single submitter. Criteria: Ambry Variant Classification Scheme 2023. Collection method: clinical testing. Allele origin: germline.

GeneDx
Classification: Benign. Last evaluated: 2016-05-25. Review status: criteria provided, single submitter. Criteria: GeneDx Variant Classification (06012015). Collection method: clinical testing. Allele origin: germline. Affected: yes.
Comment: This variant is considered likely benign or benign based on one or more of the following criteria: it is a conservative change, it occurs at a poorly conserved position in the protein, it is predicted to be benign by multiple in silico algorithms, and/or has population frequency not consistent with disease.

Breakthrough Genomics
Classification: Benign. Review status: criteria provided, single submitter. Criteria: ACMG Guidelines, 2015. Collection method: not provided. Allele origin: germline. Inheritance: Autosomal recessive inheritance. Affected: yes.

PreventionGenetics, part of Exact Sciences
Classification: Benign. Review status: criteria provided, single submitter. Criteria: ACMG Guidelines, 2015. Collection method: clinical testing. Allele origin: germline.

Natera, Inc.
Classification: Benign for Wilson disease. Last evaluated: 2020-09-16. Review status: no assertion criteria provided. Collection method: clinical testing. Allele origin: germline. Not counted in ClinVar's aggregate classification.

Clinical Genetics, Academic Medical Center
Classification: Benign. Review status: no assertion criteria provided. Collection method: clinical testing. Allele origin: germline. Affected: yes. Study: VKGL Data-share Consensus. Not counted in ClinVar's aggregate classification.

Genome Diagnostics Laboratory, Amsterdam University Medical Center
Classification: Likely benign. Review status: no assertion criteria provided. Collection method: clinical testing. Allele origin: germline. Affected: yes. Study: VKGL Data-share Consensus. Not counted in ClinVar's aggregate classification.

Genome Diagnostics Laboratory, University Medical Center Utrecht
Classification: Likely benign. Review status: no assertion criteria provided. Collection method: clinical testing. Allele origin: germline. Affected: yes. Study: VKGL Data-share Consensus. Not counted in ClinVar's aggregate classification.

Literature cited by the submitters: PubMed 18483695 (cited by Illumina Laboratory Services, Illumina).